The following is an entry in ClinVar:

NM_001379451.1(BCORL1):c.3479A>G (p.Lys1160Arg)

Gene: BCORL1 (BCL6 corepressor like 1; plus strand). Cytogenetic location: Xq26.1.
Variant type: single nucleotide variant.
Coding change: c.3479A>G on transcript NM_001379451.1 (MANE Select); coding-DNA position 3479, A replaced by G.
Protein change: p.Lys1160Arg; replaces lysine 1160 with arginine.
Molecular consequence: missense variant.
Genome position (GRCh38, 1-based): chrX:130,021,022, A>G. VCF-style: chrX-130021022-A-G. GRCh37 (hg19) VCF-style: chrX-129154997-A-G.
Other names: c.3479A>G, p.Lys1160Arg (NM_001184772.3, NM_001379450.1, NM_021946.5); short protein forms K1160R.
Identifiers: ClinVar variation 1707090 (VCV001707090.3), dbSNP rs2522721848, ClinGen allele CA414595220.

ClinVar aggregate classification (germline): Uncertain significance (1 of 4 stars; one submission).

Submission:

GeneDx
Classification: Uncertain significance. Last evaluated: 2024-12-12. Review status: criteria provided, single submitter. Criteria: GeneDx Variant Classification Process June 2021. Collection method: clinical testing. Allele origin: germline. Affected: yes.
Comment: Not observed at significant frequency in large population cohorts (gnomAD); In silico analysis indicates that this missense variant does not alter protein structure/function; Has not been previously published as pathogenic or benign to our knowledge